The following is an entry in ClinVar:

ClinVar aggregate classification (germline): Uncertain significance (1 of 4 stars; one submission).

Submission:

Labcorp Genetics (formerly Invitae), Labcorp
Classification: Uncertain significance. Last evaluated: 2021-07-14. Review status: criteria provided, single submitter. Criteria: Invitae Variant Classification Sherloc (09022015). Collection method: clinical testing. Allele origin: germline.
Comment: In summary, the available evidence is currently insufficient to determine the role of this variant in disease. Therefore, it has been classified as a Variant of Uncertain Significance. Experimental studies and prediction algorithms are not available or were not evaluated, and the functional significance of this variant is currently unknown. This variant has not been reported in the literature in individuals affected with PPP2R5B-related conditions. This variant is present in population databases (rs779086099, ExAC 0.2%). This variant, c.1461_1463del, results in the deletion of 1 amino acid(s) of the PPP2R5B protein (p.Pro488del), but otherwise preserves the integrity of the reading frame.

NM_006244.4(PPP2R5B):c.1461_1463del (p.Pro488del)

Gene: PPP2R5B (protein phosphatase 2 regulatory subunit B'beta; plus strand). Cytogenetic location: 11q13.1.
Variant type: Deletion.
Coding change: c.1461_1463del on transcript NM_006244.4 (MANE Select); coding-DNA positions 1461 to 1463, 3 bases deleted (ACC; older notation c.1461_1463delACC).
Protein change: p.Pro488del; deletes proline 488.
Molecular consequence: inframe deletion.
Genome position (GRCh38, 1-based): chr11:64,933,811-64,933,813, ACC deleted; deleting any 3 consecutive bases within chr11:64,933,810-64,933,813 gives the same sequence; the c. name uses the placement nearest the transcript's 3' end. VCF-style (leftmost placement, unchanged base first): chr11-64933809-ACAC-A. GRCh37 (hg19) VCF-style: chr11-64701281-ACAC-A.
Other names: short protein forms P488del.
Identifiers: ClinVar variation 1353736 (VCV001353736.8), dbSNP rs779086099, ClinGen allele CA6087102.